The following is an entry in ClinVar:

ClinVar aggregate classification (germline): Pathogenic. Review status: criteria provided, multiple submitters, no conflicts (2 of 4 stars). 2 submissions from 2 submitters: Pathogenic (2). Last evaluated 2021-05-06.

Conditions:
Hyperekplexia 1 (STHE). Also called: KOK DISEASE; HYPEREKPLEXIA 1, AUTOSOMAL DOMINANT; HYPEREKPLEXIA 1, AUTOSOMAL RECESSIVE; STARTLE DISEASE, FAMILIAL; STIFF-BABY SYNDROME; STIFF-MAN SYNDROME, CONGENITAL. Identifiers: Orphanet 3197, MedGen C4551954, MONDO:0007868, OMIM 149400.

gnomAD v4.1: 2 of 1,614,170 alleles (0.00012%); highest among the groups gnomAD compares: Middle Eastern, 0.033%; no homozygotes.

Submissions (2):

Victorian Clinical Genetics Services, Murdoch Childrens Research Institute
Classification: Pathogenic for Hyperekplexia 1. Last evaluated: 2021-05-06. Review status: criteria provided, single submitter. Criteria: ACMG Guidelines, 2015. Collection method: clinical testing. Allele origin: germline. Affected: no.
Comment: Based on the classification scheme VCGS_Germline_v1.3.4, this variant is classified as Pathogenic. Following criteria are met: 0102 - Loss of function is a known mechanism of disease in this gene and is associated with hyperekplexia 1 (MIM#149400). Dominant negative is a suspected mechanism of disease for variants causing dominant disease, however additional functional studies are required (PMID: 17536053). (I) 0108 - This gene is associated with both recessive and dominant disease. There is no clear distinction between variants or regions that show dominant or recessive inheritance. The majority of variants causing dominant disease are missense variants (PMID: 30182260). (I) 0201 - Variant is predicted to cause nonsense-mediated decay (NMD) and loss of protein (premature termination codon is located at least 54 nucleotides upstream of the final exon-exon junction). (SP) 0251 - This variant is heterozygous. (I) 0301 - Variant is absent from gnomAD (both v2 and v3). (SP) 0701 - Other NMD-predicted variants comparable to the one identified in this case have very strong previous evidence for pathogenicity. These variants have been largely reported in individuals with recessive hyperekplexia, but also rarely for dominant hyperekplexia (ClinVar, PMID: 30182260, PMID: 27843043). (SP) 0807 - This variant has no previous evidence of pathogenicity. (I) 0905 - No published segregation evidence has been identified for this variant. (I) 1007 - No published functional evidence has been identified for this variant. (I) Legend: (SP) - Supporting pathogenic, (I) - Information, (SB) - Supporting benign

Revvity Omics, Revvity
Classification: Pathogenic for Hyperekplexia 1. Last evaluated: 2020-12-08. Review status: criteria provided, single submitter. Criteria: ACMG Guidelines, 2015. Collection method: clinical testing. Allele origin: germline.

Literature cited by the submitters: PubMed 17536053 (cited by Victorian Clinical Genetics Services, Murdoch Childrens Research Institute); PubMed 27843043 (cited by Victorian Clinical Genetics Services, Murdoch Childrens Research Institute); PubMed 30182260 (cited by Victorian Clinical Genetics Services, Murdoch Childrens Research Institute).

NM_000171.4(GLRA1):c.675C>A (p.Tyr225Ter)

Gene: GLRA1 (glycine receptor alpha 1; minus strand). Cytogenetic location: 5q33.1.
Variant type: single nucleotide variant.
Coding change: c.675C>A on transcript NM_000171.4 (MANE Select); coding-DNA position 675, C replaced by A.
Protein change: p.Tyr225Ter; replaces tyrosine 225 with a stop codon.
Molecular consequence: nonsense.
Genome position (GRCh38, 1-based): chr5:151,855,062, G>T on the plus strand (C>A on the coding strand, the complement: GLRA1 is on the minus strand). VCF-style: chr5-151855062-G-T. GRCh37 (hg19) VCF-style: chr5-151234623-G-T.
Other names: c.675C>A (NM_001146040.1); c.675C>A, p.Tyr225Ter (NM_001146040.2); c.426C>A, p.Tyr142Ter (NM_001292000.2); short protein forms Y142*, Y225*.
Identifiers: ClinVar variation 1323021 (VCV001323021.5), dbSNP rs2113349880, ClinGen allele CA361839606.